The following is an entry in ClinVar:

ClinVar aggregate classification (germline): Uncertain significance (1 of 4 stars; one submission).

Conditions:
Cardiovascular phenotype. Identifiers: MedGen CN230736.

gnomAD v4.1: 1 of 1,612,474 alleles (0.000062%); highest among the groups gnomAD compares: Non-Finnish European, 0.000085%; no homozygotes.

Submission:

Ambry Genetics
Classification: Uncertain significance for Cardiovascular phenotype. Last evaluated: 2025-09-25. Review status: criteria provided, single submitter. Criteria: Ambry Variant Classification Scheme 2023. Collection method: clinical testing. Allele origin: germline.
Comment: The p.C82G variant (also known as c.244T>G), located in coding exon 1 of the GAA gene, results from a T to G substitution at nucleotide position 244. The cysteine at codon 82 is replaced by glycine, an amino acid with highly dissimilar properties. This amino acid position is conserved. In addition, this alteration is predicted to be deleterious by in silico analysis. Based on the available evidence, the clinical significance of this variant remains unclear.

NM_000152.5(GAA):c.244T>G (p.Cys82Gly)

Gene: GAA (alpha glucosidase; plus strand). Cytogenetic location: 17q25.3.
Variant type: single nucleotide variant.
Coding change: c.244T>G on transcript NM_000152.5 (MANE Select); coding-DNA position 244, T replaced by G.
Protein change: p.Cys82Gly; replaces cysteine 82 with glycine.
Molecular consequence: missense variant.
Genome position (GRCh38, 1-based): chr17:80,104,830, T>G. VCF-style: chr17-80104830-T-G. GRCh37 (hg19) VCF-style: chr17-78078629-T-G.
Other names: c.244T>G, p.Cys82Gly (NM_001079803.3, NM_001079804.3, NM_001406741.1 and 1 more transcripts); short protein forms C82G.
Identifiers: ClinVar variation 4614226 (VCV004614226.1).